The following is an entry in ClinVar:

ClinVar aggregate classification (germline): Pathogenic. Review status: criteria provided, multiple submitters, no conflicts (2 of 4 stars). 2 submissions from 2 submitters: Pathogenic (2). Last evaluated 2025-12-22.

Conditions:
Multiple endocrine neoplasia type 4. Also called: MULTIPLE ENDOCRINE NEOPLASIA, TYPE IV. Identifiers: Orphanet 276152, MedGen C1970712, MONDO:0012552, OMIM 610755.
Hereditary cancer-predisposing syndrome. Also called: Neoplastic Syndromes, Hereditary; Tumor predisposition; Hereditary Cancer Syndrome; Hereditary neoplastic syndrome. Identifiers: Orphanet 140162, MedGen C0027672, MeSH D009386, MONDO:0015356.

Submissions (2):

Labcorp Genetics (formerly Invitae), Labcorp
Classification: Pathogenic for Multiple endocrine neoplasia type 4. Last evaluated: 2025-12-22. Review status: criteria provided, single submitter. Criteria: Invitae Variant Classification Sherloc (09022015). Collection method: clinical testing. Allele origin: germline.
Comment: This sequence change creates a premature translational stop signal (p.Gln107*) in the CDKN1B gene. It is expected to result in an absent or disrupted protein product. Loss-of-function variants in CDKN1B are known to be pathogenic (PMID: 17030811, 24819502). This variant is not present in population databases (gnomAD no frequency). This variant has not been reported in the literature in individuals affected with CDKN1B-related conditions. ClinVar contains an entry for this variant (Variation ID: 1728762). For these reasons, this variant has been classified as Pathogenic.

Ambry Genetics
Classification: Pathogenic for Hereditary cancer-predisposing syndrome. Last evaluated: 2020-05-14. Review status: criteria provided, single submitter. Criteria: Ambry Variant Classification Scheme 2023. Collection method: clinical testing. Allele origin: germline.
Comment: The p.Q107* pathogenic mutation (also known as c.319C>T), located in coding exon 1 of the CDKN1B gene, results from a C to T substitution at nucleotide position 319. This changes the amino acid from a glutamine to a stop codon within coding exon 1. This alteration is expected to result in loss of function by premature protein truncation or nonsense-mediated mRNA decay. As such, this alteration is interpreted as a disease-causing mutation.

Literature cited by the submitters: PubMed 17030811 (cited by Labcorp Genetics (formerly Invitae), Labcorp); PubMed 24819502 (cited by Labcorp Genetics (formerly Invitae), Labcorp).

NM_004064.5(CDKN1B):c.319C>T (p.Gln107Ter)

Gene: CDKN1B (cyclin dependent kinase inhibitor 1B; plus strand). Cytogenetic location: 12p13.1.
Variant type: single nucleotide variant.
Coding change: c.319C>T on transcript NM_004064.5 (MANE Select); coding-DNA position 319, C replaced by T.
Protein change: p.Gln107Ter; replaces glutamine 107 with a stop codon.
Molecular consequence: nonsense.
Genome position (GRCh38, 1-based): chr12:12,718,158, C>T. VCF-style: chr12-12718158-C-T. GRCh37 (hg19) VCF-style: chr12-12871092-C-T.
Other names: short protein forms Q107*.
Identifiers: ClinVar variation 1728762 (VCV001728762.5), dbSNP rs2136356126, ClinGen allele CA383970202.